The following is an entry in ClinVar:

ClinVar aggregate classification (germline): Benign/Likely benign. Review status: criteria provided, multiple submitters, no conflicts (2 of 4 stars). 3 submissions from 3 submitters: Benign (1); Likely benign (2). Last evaluated 2025-04-16.

Conditions:
Familial cancer of breast. Also called: BREAST CANCER, FAMILIAL; Hereditary breast cancer; hereditary breast carcinoma. Identifiers: Orphanet 227535, MedGen C0346153, MONDO:0016419, OMIM 114480. Disease mechanism: loss of function.
Hereditary cancer-predisposing syndrome. Also called: Hereditary Cancer Syndrome; Neoplastic Syndromes, Hereditary; Tumor predisposition; Hereditary neoplastic syndrome. Identifiers: Orphanet 140162, MedGen C0027672, MeSH D009386, MONDO:0015356.

Submissions (3):

Labcorp Genetics (formerly Invitae), Labcorp
Classification: Likely benign for Familial cancer of breast. Last evaluated: 2025-04-16. Review status: criteria provided, single submitter. Criteria: Invitae Variant Classification Sherloc (09022015). Collection method: clinical testing. Allele origin: germline.

Myriad Genetics, Inc.
Classification: Benign for Familial cancer of breast. Last evaluated: 2024-10-02. Review status: criteria provided, single submitter. Criteria: Myriad Autosomal Dominant, Autosomal Recessive and X-Linked Classification Criteria (2023). Collection method: clinical testing. Allele origin: unknown.
Comment: This variant is considered benign. This variant is a silent/synonymous amino acid change and it is not expected to impact splicing.

Ambry Genetics
Classification: Likely benign for Hereditary cancer-predisposing syndrome. Last evaluated: 2017-02-22. Review status: criteria provided, single submitter. Criteria: Ambry Variant Classification Scheme 2023. Collection method: clinical testing. Allele origin: germline.

NM_007194.4(CHEK2):c.576A>G (p.Ser192=)

Gene: CHEK2 (checkpoint kinase 2; minus strand). Cytogenetic location: 22q12.1.
Variant type: single nucleotide variant.
Coding change: c.576A>G on transcript NM_007194.4 (MANE Select); coding-DNA position 576, A replaced by G.
Protein change: p.Ser192=; no amino-acid change (serine 192 retained).
Molecular consequence: synonymous variant. On other transcripts: 5 prime UTR variant (2), intron variant (1).
Genome position (GRCh38, 1-based): chr22:28,724,993, T>C on the plus strand (A>G on the coding strand, the complement: CHEK2 is on the minus strand). VCF-style: chr22-28724993-T-C. GRCh37 (hg19) VCF-style: chr22-29120981-T-C.
Other names: c.705A>G, p.Ser235= (NM_001005735.3, NM_001438294.1); c.-202A>G (NM_001257387.3); c.-88A>G (NM_001437942.1); c.669A>G, p.Ser223= (NM_001438293.1, NM_001438295.1); c.576A>G, p.Ser192= (NM_145862.3); c.445-70A>G (NM_001349956.3).
Identifiers: ClinVar variation 479598 (VCV000479598.16), dbSNP rs1555926751, ClinGen allele CA514168710.